The following is an entry in ClinVar:

ClinVar aggregate classification (germline): Uncertain significance. Review status: criteria provided, multiple submitters, no conflicts (2 of 4 stars). 3 submissions from 3 submitters: Uncertain significance (3). Last evaluated 2026-07-13.

Conditions:
DDX41-related hematologic malignancy predisposition syndrome. Also called: DDX41-Associated Familial Myelodysplastic Syndrome and Acute Myeloid Leukemia; Myeloproliferative/lymphoproliferative neoplasms, familial (multiple types), susceptibility to. Identifiers: Orphanet 488647, MedGen C4225174, MONDO:0014809, OMIM 616871.
Inborn genetic diseases. Identifiers: MedGen C0950123, MeSH D030342.

gnomAD v4.1: 1 of 1,614,136 alleles (0.000062%); highest among the groups gnomAD compares: Admixed American, 0.0017%; no homozygotes.

Submissions (3):

Ambry Genetics
Classification: Uncertain significance for Inborn genetic diseases. Last evaluated: 2026-07-13. Review status: criteria provided, single submitter. Criteria: Ambry Variant Classification Scheme 2023. Collection method: clinical testing. Allele origin: germline.
Comment: The p.G175D variant (also known as c.524G>A), located in coding exon 6 of the DDX41 gene, results from a G to A substitution at nucleotide position 524. The glycine at codon 175 is replaced by aspartic acid, an amino acid with similar properties. This amino acid position is conserved. In addition, this alteration is predicted to be tolerated by in silico analysis. Based on the available evidence, the clinical significance of this variant remains unclear.

Baylor Genetics
Classification: Uncertain significance for DDX41-related hematologic malignancy predisposition syndrome. Last evaluated: 2023-11-22. Review status: criteria provided, single submitter. Criteria: ACMG Guidelines, 2015. Collection method: clinical testing. Allele origin: unknown.

Labcorp Genetics (formerly Invitae), Labcorp
Classification: Uncertain significance. Last evaluated: 2023-06-10. Review status: criteria provided, single submitter. Criteria: Invitae Variant Classification Sherloc (09022015). Collection method: clinical testing. Allele origin: germline.
Comment: This variant is present in population databases (no rsID available, gnomAD 0.003%). This sequence change replaces glycine, which is neutral and non-polar, with aspartic acid, which is acidic and polar, at codon 175 of the DDX41 protein (p.Gly175Asp). This variant has not been reported in the literature in individuals affected with DDX41-related conditions. In summary, the available evidence is currently insufficient to determine the role of this variant in disease. Therefore, it has been classified as a Variant of Uncertain Significance. An algorithm developed to predict the effect of missense changes on protein structure and function (PolyPhen-2) suggests that this variant is likely to be tolerated.

NM_016222.4(DDX41):c.524G>A (p.Gly175Asp)

Gene: DDX41 (DEAD-box helicase 41; minus strand). Cytogenetic location: 5q35.3.
Variant type: single nucleotide variant.
Coding change: c.524G>A on transcript NM_016222.4 (MANE Select); coding-DNA position 524, G replaced by A.
Protein change: p.Gly175Asp; replaces glycine 175 with aspartic acid.
Molecular consequence: missense variant.
Genome position (GRCh38, 1-based): chr5:177,515,732, C>T on the plus strand (G>A on the coding strand, the complement: DDX41 is on the minus strand). VCF-style: chr5-177515732-C-T. GRCh37 (hg19) VCF-style: chr5-176942733-C-T.
Other names: c.524G>A (NM_016222.2); c.146G>A, p.Gly49Asp (NM_001321732.2, NM_001321830.2); short protein forms G49D, G175D.
Identifiers: ClinVar variation 2907038 (VCV002907038.5), dbSNP rs1233284218, ClinGen allele CA362376084.